The following is an entry in ClinVar:

ClinVar aggregate classification (germline): Pathogenic/Likely pathogenic. Review status: criteria provided, multiple submitters, no conflicts (2 of 4 stars). 9 submissions from 9 submitters: Pathogenic (6); Likely pathogenic (1). 2 of the submissions do not count toward it. Last evaluated 2026-03-23.

Conditions:
CEP290-related ciliopathy. Also called: CEP290 ciliopathy. Identifiers: MedGen CN305601, MONDO:0100451.
CEP290-related disorder. Also called: CEP290-related disorders; CEP290-related condition. Identifiers: MedGen CN239314.
Meckel-Gruber syndrome. Also called: GRUBER SYNDROME; DYSENCEPHALIA SPLANCHNOCYSTICA; Dysencephalia splachnocystica. Identifiers: Orphanet 564, MedGen C0265215, MONDO:0018921.
Nephronophthisis. Also called: Juvenile Nephronophthisis. Identifiers: Orphanet 655, MedGen C0687120, MONDO:0019005, HP:0000090.
Joubert syndrome. Also called: JOUBERT-BOLTSHAUSER SYNDROME; Familial aplasia of the vermis. Identifiers: Orphanet 475, MedGen C5979921, MONDO:0018772.
Retinal dystrophy. Also called: Inherited retinal dystrophy. Identifiers: Orphanet 71862, MedGen C0854723, MeSH D058499, MONDO:0019118, HP:0000556.
Leber congenital amaurosis (LCA). Also called: Leber's amaurosis. Identifiers: Orphanet 65, MedGen C0339527, MeSH D057130, MONDO:0018998.
Bardet-Biedl syndrome 14 (BBS14). Identifiers: Orphanet 110, MedGen C2673874, MONDO:0014442, OMIM 615991.

Submissions (9):

Myriad Genetics, Inc.
Classification: Pathogenic for CEP290-related ciliopathy. Last evaluated: 2026-03-23. Review status: criteria provided, single submitter. Criteria: Myriad Autosomal Dominant, Autosomal Recessive and X-Linked Classification Criteria (2023). Collection method: clinical testing. Allele origin: unknown.
Comment: NM_025114.3(CEP290):c.2119_2123dup5(T709Sfs*9) is a frameshift variant classified as pathogenic in the context of CEP290-related disorders. T709Sfs*9 has been observed in cases with relevant disease (PMID: 16909394, 26626312). Relevant functional assessments of this variant are not available in the literature. T709Sfs*9 has not been observed in referenced population frequency databases. In summary, NM_025114.3(CEP290):c.2119_2123dup5(T709Sfs*9) is a frameshift variant in a gene where loss of function is a known mechanism of disease, is predicted to disrupt protein function, and has been observed more frequently in cases with the relevant disease than in healthy populations. Please note: this variant was assessed in the context of healthy population screening.

PreventionGenetics, part of Exact Sciences
Classification: Pathogenic for CEP290-related condition. Last evaluated: 2026-02-02. Review status: criteria provided, single submitter. Criteria: ACMG Guidelines, 2015. Collection method: clinical testing. Allele origin: germline.
Comment: The CEP290 c.2119_2123dup5 variant is predicted to result in a frameshift and premature protein termination (p.Thr709Serfs*9). This variant, also known as c.2118_2122dupTCAGC in the literature, has been reported along with a second pathogenic variant in an individual with Leber congenital amaurosis (den Hollander et al., 2006. PubMed ID: 16909394). This variant has not been reported in a large population database (gnomAD), indicating this variant is rare. Frameshift variants in CEP290 are expected to be pathogenic. This variant is interpreted as pathogenic.

Natera, Inc.
Classification: Pathogenic for Leber congenital amaurosis. Last evaluated: 2024-11-30. Review status: criteria provided, single submitter. Criteria: Natera Variant Classification Schema (03/2026). Collection method: clinical testing. Allele origin: germline.
Comment: The c.2119_2123dup variant in CEP290 is a frameshift variant predicted to shift the reading frame beginning at codon 709 and leads to a stop codon 9 codons downstream. This variant is expected to result in nonsense mediated decay, truncation, or a dysfunctional protein product. This variant is rare in the general population with a frequency below the threshold expected for the associated phenotype(s). This variant has been observed in one or more individuals affected with the associated recessive disease, as either homozygous or compound heterozygous with a second variant (PMID: 26626312). Given the available evidence, this variant is classified as Pathogenic.

Labcorp Genetics (formerly Invitae), Labcorp
Classification: Pathogenic for Joubert syndrome; Meckel-Gruber syndrome; Nephronophthisis. Last evaluated: 2024-01-12. Review status: criteria provided, single submitter. Criteria: Invitae Variant Classification Sherloc (09022015). Collection method: clinical testing. Allele origin: germline.
Comment: This sequence change creates a premature translational stop signal (p.Thr709Serfs*9) in the CEP290 gene. It is expected to result in an absent or disrupted protein product. Loss-of-function variants in CEP290 are known to be pathogenic (PMID: 16909394, 17345604, 20690115). This variant is not present in population databases (gnomAD no frequency). This premature translational stop signal has been observed in individual(s) with Leber congenital amaurosis (PMID: 16909394). This variant is also known as c.2118_2122dupTCAGC. ClinVar contains an entry for this variant (Variation ID: 99847). For these reasons, this variant has been classified as Pathogenic.

Baylor Genetics
Classification: Pathogenic for Bardet-Biedl syndrome 14. Last evaluated: 2023-12-20. Review status: criteria provided, single submitter. Criteria: ACMG Guidelines, 2015. Collection method: clinical testing. Allele origin: unknown.

Blueprint Genetics
Classification: Likely pathogenic for CEP290-related disorders. Last evaluated: 2022-02-22. Review status: criteria provided, single submitter. Criteria: ACMG Guidelines, 2015. Collection method: clinical testing. Allele origin: germline. Affected: yes. Observed: 3 variant alleles.

CeGaT Center for Human Genetics Tuebingen
Classification: Pathogenic. Last evaluated: 2021-12-01. Review status: criteria provided, single submitter. Criteria: CeGaT Center For Human Genetics Tuebingen Variant Classification Criteria Version 2. Collection method: clinical testing. Allele origin: germline. Affected: yes. Observed: 1 variant allele.

Institute of Human Genetics, Univ. Regensburg, Univ. Regensburg
Classification: Pathogenic for Retinal dystrophy. Last evaluated: 2013-01-01. Review status: no assertion criteria provided. Criteria: ACMG Guidelines, 2015. Collection method: clinical testing. Allele origin: germline. Affected: yes. Not counted in ClinVar's aggregate classification.

Retina International
No classification provided. Review status: no classification provided. Collection method: not provided. Allele origin: not provided. Not counted in ClinVar's aggregate classification.

Literature cited by the submitters: PubMed 16909394 (cited by Myriad Genetics, Inc. and Labcorp Genetics (formerly Invitae), Labcorp); PubMed 26626312 (cited by Myriad Genetics, Inc. and Natera, Inc.); PubMed 17345604 (cited by Labcorp Genetics (formerly Invitae), Labcorp); PubMed 20690115 (cited by Labcorp Genetics (formerly Invitae), Labcorp).

NM_025114.4(CEP290):c.2119_2123dup (p.Thr709fs)

Gene: CEP290 (centrosomal protein 290; minus strand). Cytogenetic location: 12q21.32.
Variant type: Duplication.
Coding change: c.2119_2123dup on transcript NM_025114.4 (MANE Select); coding-DNA positions 2119 to 2123, 5 bases duplicated (CAGCT; older notation c.2119_2123dupCAGCT).
Protein change: p.Thr709fs; shifts the reading frame from threonine 709.
Molecular consequence: frameshift variant.
Genome position (GRCh38, 1-based): chr12:88,111,788-88,111,792, AGCTG duplicated on the plus strand (CAGCT on the coding strand, the reverse complement: CEP290 is on the minus strand); duplicating any 5 consecutive bases within chr12:88,111,788-88,111,793 gives the same sequence; the c. name uses the placement nearest the transcript's 3' end. VCF-style (leftmost placement, unchanged base first): chr12-88111787-A-AAGCTG. GRCh37 (hg19) VCF-style: chr12-88505564-A-AAGCTG.
Other names: c.2118_2122dupTCAGC (NM_025114.3); c.2119_2123dup5 (NM_025114.3); short protein forms T709fs.
Identifiers: ClinVar variation 99847 (VCV000099847.49), dbSNP rs62640580, ClinGen allele CA227961.
Genomic context (GRCh38, chr12:88,111,787, plus strand): 5'-ATTTATAGCCTCTTTCCGAGATTCCCTGAGCTCCTGTCTTAATTCTTCATTTCTTCCGGT[A>AAGCTG]AGCTGATCAACTTGGGCTTTCAAATGCAGACTCGCATCAAAGATTCCTTCTGCATTCTTT-3'